The following is an entry in ClinVar:

NM_003470.3(USP7):c.1463del (p.Cys488fs)

Gene: USP7 (ubiquitin specific peptidase 7; minus strand). Cytogenetic location: 16p13.2.
Variant type: Deletion.
Coding change: c.1463del on transcript NM_003470.3 (MANE Select); coding-DNA position 1463, one base deleted (G; older notation c.1463delG).
Protein change: p.Cys488fs; shifts the reading frame from cysteine 488.
Molecular consequence: frameshift variant. On other transcripts: non-coding transcript variant (1).
Genome position (GRCh38, 1-based): chr16:8,905,297, C deleted on the plus strand (G on the coding strand, the reverse complement: USP7 is on the minus strand). VCF-style (leftmost placement, unchanged base first): chr16-8905296-AC-A. GRCh37 (hg19) VCF-style: chr16-8999153-AC-A.
Other names: c.1415del, p.Cys472fs (NM_001286457.2); c.1166del, p.Cys389fs (NM_001286458.2); c.1289del, p.Cys430fs (NM_001321858.2); short protein forms C389fs, C430fs, C472fs, C488fs.
Identifiers: ClinVar variation 3255088 (VCV003255088.1), dbSNP rs2549229217.

ClinVar aggregate classification (germline): Pathogenic (1 of 4 stars; one submission).

Conditions:
Hao-Fountain syndrome due to USP7 mutation. Also called: USP7-Related Hao Fountain Syndrome. Identifiers: Orphanet 643538, MedGen C5816734, MONDO:0958071, OMIM 616863.

Submission:

Victorian Clinical Genetics Services, Murdoch Childrens Research Institute
Classification: Pathogenic for Hao-Fountain syndrome due to USP7 mutation. Last evaluated: 2023-12-21. Review status: criteria provided, single submitter. Criteria: ACMG Guidelines, 2015. Collection method: clinical testing. Allele origin: germline. Inheritance: Autosomal dominant inheritance. Affected: yes.
Comment: Based on the classification scheme VCGS_Germline_v1.3.4, this variant is classified as Pathogenic. Following criteria are met: 0102 - Loss of function is a known mechanism of disease in this gene and is associated with Hao-Fountain syndrome (MIM#616863). (I) 0107 - This gene is associated with autosomal dominant disease. (I) 0115 - Variants in this gene are known to have variable expressivity (OMIM). (I) 0201 - Variant is predicted to cause nonsense-mediated decay (NMD) and loss of protein (premature termination codon is located at least 54 nucleotides upstream of the final exon-exon junction). (SP) 0251 - This variant is heterozygous. (I) 0301 - Variant is absent from gnomAD (both v2 and v3). (SP) 0701 - Other null variants comparable to the one identified in this case have very strong previous evidence for pathogenicity. There are at least ten NMD-predicted variants that have been classified as likely pathogenic or pathogenic (DECIPHER). (SP) 0807 - This variant has no previous evidence of pathogenicity. (I) 0905 - No published segregation evidence has been identified for this variant. (I) 1007 - No published functional evidence has been identified for this variant. (SP) Legend: (SP) - Supporting pathogenic, (I) - Information, (SB) - Supporting benign